The following is an entry in ClinVar:

ClinVar aggregate classification (germline): Uncertain significance. Review status: criteria provided, single submitter (1 of 4 stars). 2 submissions from 2 submitters: Uncertain significance (1). 1 of the submissions does not count toward it. Last evaluated 2025-06-25.

Conditions:
Inborn genetic diseases. Identifiers: MedGen C0950123, MeSH D030342.
SIM1-related disorder. Also called: SIM1-related condition; SIM1-related disorders.

Submissions (2):

Ambry Genetics
Classification: Uncertain significance for Inborn genetic diseases. Last evaluated: 2025-06-25. Review status: criteria provided, single submitter. Criteria: Ambry Variant Classification Scheme 2023. Collection method: clinical testing. Allele origin: germline.

PreventionGenetics, part of Exact Sciences
Classification: Uncertain significance for SIM1-related condition. Last evaluated: 2023-12-13. Review status: no assertion criteria provided. Collection method: clinical testing. Allele origin: germline. Not counted in ClinVar's aggregate classification.
Comment: The SIM1 c.1247C>T variant is predicted to result in the amino acid substitution p.Ser416Phe. To our knowledge, this variant has not been reported in the literature. This variant is reported in 0.0018% of alleles in individuals of European (Non-Finnish) descent in gnomAD. At this time, the clinical significance of this variant is uncertain due to the absence of conclusive functional and genetic evidence.

NM_005068.3(SIM1):c.1247C>T (p.Ser416Phe)

Genes: SIM1 (SIM bHLH transcription factor 1; minus strand), SIM1-AS1 (SIM1 antisense RNA 1; plus strand). Cytogenetic location: 6q16.3.
Variant type: single nucleotide variant.
Coding change: c.1247C>T on transcript NM_005068.3 (MANE Select); coding-DNA position 1247, C replaced by T.
Protein change: p.Ser416Phe; replaces serine 416 with phenylalanine.
Molecular consequence: missense variant. On other transcripts: non-coding transcript variant (1).
Genome position (GRCh38, 1-based): chr6:100,393,810, G>A on the plus strand (C>T on the coding strand, the complement: SIM1 is on the minus strand). VCF-style: chr6-100393810-G-A. GRCh37 (hg19) VCF-style: chr6-100841686-G-A.
Other names: c.1247C>T, p.Ser416Phe (NM_001374769.1); short protein forms S416F.
Identifiers: ClinVar variation 3357503 (VCV003357503.2).